The following is an entry in ClinVar:

ClinVar aggregate classification (germline): Uncertain significance (1 of 4 stars; one submission).

Conditions:
Familial hypobetalipoproteinemia 1. Also called: APOB-Related Familial Hypobetalipoproteinemia; Hypobetalipoproteinemia, normotriglyceridemic; Acanthocytosis with hypobetalipoproteinemia. Identifiers: MedGen C4551990, MONDO:0014252, OMIM 615558.
Hypercholesterolemia, autosomal dominant, type B (FHCL2). Also called: APOB-Related Familial Hypercholesterolemia, Autosomal Dominant; Familial hypercholesterolemia 2; Familial Hypercholesterolemia Type B; APOLIPOPROTEIN B-100, FAMILIAL DEFECTIVE; APOLIPOPROTEIN B-100, FAMILIAL LIGAND-DEFECTIVE; HYPERCHOLESTEROLEMIA, FAMILIAL, DUE TO LIGAND-DEFECTIVE APOLIPOPROTEIN B. Identifiers: MedGen C1704417, MONDO:0007751, OMIM 144010.

gnomAD v4.1: 1 of 1,581,714 alleles (0.000063%); highest among the groups gnomAD compares: Non-Finnish European, 0.000086%; no homozygotes.

Submission:

Labcorp Genetics (formerly Invitae), Labcorp
Classification: Uncertain significance for Familial hypobetalipoproteinemia 1; Hypercholesterolemia, autosomal dominant, type B. Last evaluated: 2025-07-16. Review status: criteria provided, single submitter. Criteria: Invitae Variant Classification Sherloc (09022015). Collection method: clinical testing. Allele origin: germline.
Comment: This sequence change replaces lysine, which is basic and polar, with asparagine, which is neutral and polar, at codon 2164 of the APOB protein (p.Lys2164Asn). This variant is not present in population databases (gnomAD no frequency). This variant has not been reported in the literature in individuals affected with APOB-related conditions. Invitae Evidence Modeling of protein sequence and biophysical properties (such as structural, functional, and spatial information, amino acid conservation, physicochemical variation, residue mobility, and thermodynamic stability) indicates that this missense variant is not expected to disrupt APOB protein function with a negative predictive value of 95%. In summary, the available evidence is currently insufficient to determine the role of this variant in disease. Therefore, it has been classified as a Variant of Uncertain Significance.

NM_000384.3(APOB):c.6492A>T (p.Lys2164Asn)

Gene: APOB (apolipoprotein B; minus strand). Cytogenetic location: 2p24.1.
Variant type: single nucleotide variant.
Coding change: c.6492A>T on transcript NM_000384.3 (MANE Select); coding-DNA position 6492, A replaced by T.
Protein change: p.Lys2164Asn; replaces lysine 2164 with asparagine.
Molecular consequence: missense variant.
Genome position (GRCh38, 1-based): chr2:21,010,376, T>A on the plus strand (A>T on the coding strand, the complement: APOB is on the minus strand). VCF-style: chr2-21010376-T-A. GRCh37 (hg19) VCF-style: chr2-21233248-T-A.
Other names: short protein forms K2164N.
Identifiers: ClinVar variation 4789287 (VCV004789287.1).
Genomic context (GRCh38, chr2:21,010,376, plus strand): 5'-ATACTGATCAAATTGTATCATATATGTCTGCAGTTGAGATAGTTTTTCATTAAAGTTGAT[T>A]TTGGCATCATCTAATGCAATTTGTATATCATTTTCTGTAATTCTATACTTTTTTGTGAGA-3'
Protein context (NP_000375.3, residues 2154-2174): NDIQIALDDA[Lys2164Asn]INFNEKLSQL